The following is an entry in ClinVar:

NM_007227.3(GPR45):c.803C>T (p.Thr268Ile)

Gene: GPR45 (G protein-coupled receptor 45; plus strand). Cytogenetic location: 2q12.1.
Variant type: single nucleotide variant.
Coding change: c.803C>T on transcript NM_007227.3 (MANE Select); coding-DNA position 803, C replaced by T.
Protein change: p.Thr268Ile; replaces threonine 268 with isoleucine.
Molecular consequence: missense variant.
Genome position (GRCh38, 1-based): chr2:105,242,661, C>T. VCF-style: chr2-105242661-C-T. GRCh37 (hg19) VCF-style: chr2-105859118-C-T.
Other names: short protein forms T268I.
Identifiers: ClinVar variation 1495635 (VCV001495635.6), dbSNP rs2104541800, ClinGen allele CA348101263.
Genomic context (GRCh38, chr2:105,242,661, plus strand): 5'-GCCTGCAGCGGCAGCAACAGGTCAGCGTGGACTTGAGCTTCAAGACCAAGGCCTTCACCA[C>T]CATCCTGATCCTCTTCGTGGGCTTCTCCCTCTGCTGGCTGCCCCACTCCGTCTACAGCCT-3'
Protein context (NP_009158.3, residues 258-278): DLSFKTKAFT[Thr268Ile]ILILFVGFSL

ClinVar aggregate classification (germline): Uncertain significance (1 of 4 stars; one submission).

Submission:

Labcorp Genetics (formerly Invitae), Labcorp
Classification: Uncertain significance. Last evaluated: 2022-12-02. Review status: criteria provided, single submitter. Criteria: Invitae Variant Classification Sherloc (09022015). Collection method: clinical testing. Allele origin: germline.
Comment: This variant has not been reported in the literature in individuals affected with GPR45-related conditions. In summary, the available evidence is currently insufficient to determine the role of this variant in disease. Therefore, it has been classified as a Variant of Uncertain Significance. Algorithms developed to predict the effect of missense changes on protein structure and function (SIFT, PolyPhen-2, Align-GVGD) all suggest that this variant is likely to be disruptive. ClinVar contains an entry for this variant (Variation ID: 1495635). This variant is not present in population databases (gnomAD no frequency). This sequence change replaces threonine, which is neutral and polar, with isoleucine, which is neutral and non-polar, at codon 268 of the GPR45 protein (p.Thr268Ile).